The following is an entry in ClinVar:

ClinVar aggregate classification (germline): Uncertain significance. Review status: criteria provided, multiple submitters, no conflicts (2 of 4 stars). 3 submissions from 3 submitters: Uncertain significance (3). Last evaluated 2024-08-12.

Conditions:
Hereditary cancer-predisposing syndrome. Also called: Hereditary neoplastic syndrome; Tumor predisposition; Neoplastic Syndromes, Hereditary; Hereditary Cancer Syndrome. Identifiers: Orphanet 140162, MedGen C0027672, MeSH D009386, MONDO:0015356.
Tuberous sclerosis 2 (TSC2). Identifiers: Orphanet 805, MedGen C1860707, MONDO:0013199, OMIM 613254.
Isolated focal cortical dysplasia type II (FCORD2). Also called: Focal cortical dysplasia type II; CORTICAL DYSPLASIA OF TAYLOR. Identifiers: Orphanet 268994, MedGen C1846385, MONDO:0011818, OMIM 607341, HP:0032051.
Lymphangiomyomatosis (LAM). Also called: Lymphangioleiomyomatosis, somatic; Lymphangioleiomyomatosis. Identifiers: Orphanet 538, MedGen C0751674, MONDO:0011705, OMIM 606690.

gnomAD v4.1: 4 of 1,613,194 alleles (0.00025%); highest among the groups gnomAD compares: Non-Finnish European, 0.00034%; no homozygotes.

Submissions (3):

Labcorp Genetics (formerly Invitae), Labcorp
Classification: Uncertain significance for Tuberous sclerosis 2. Last evaluated: 2024-08-12. Review status: criteria provided, single submitter. Criteria: Invitae Variant Classification Sherloc (09022015). Collection method: clinical testing. Allele origin: germline.
Comment: This sequence change replaces glutamic acid, which is acidic and polar, with alanine, which is neutral and non-polar, at codon 1523 of the TSC2 protein (p.Glu1523Ala). This variant is not present in population databases (gnomAD no frequency). This variant has not been reported in the literature in individuals affected with TSC2-related conditions. ClinVar contains an entry for this variant (Variation ID: 962921). An algorithm developed to predict the effect of missense changes on protein structure and function (PolyPhen-2) suggests that this variant is likely to be disruptive. In summary, the available evidence is currently insufficient to determine the role of this variant in disease. Therefore, it has been classified as a Variant of Uncertain Significance.

Fulgent Genetics
Classification: Uncertain significance for Lymphangiomyomatosis; Isolated focal cortical dysplasia type II; Tuberous sclerosis 2. Last evaluated: 2024-05-27. Review status: criteria provided, single submitter. Criteria: ACMG Guidelines, 2015. Collection method: clinical testing. Allele origin: germline.

Ambry Genetics
Classification: Uncertain significance for Hereditary cancer-predisposing syndrome. Last evaluated: 2023-02-12. Review status: criteria provided, single submitter. Criteria: Ambry Variant Classification Scheme 2023. Collection method: clinical testing. Allele origin: germline.
Comment: The p.E1523A variant (also known as c.4568A>C), located in coding exon 34 of the TSC2 gene, results from an A to C substitution at nucleotide position 4568. The glutamic acid at codon 1523 is replaced by alanine, an amino acid with dissimilar properties. This amino acid position is conserved. In addition, this alteration is predicted to be deleterious by in silico analysis. Since supporting evidence is limited at this time, the clinical significance of this alteration remains unclear.

NM_000548.5(TSC2):c.4568A>C (p.Glu1523Ala)

Gene: TSC2 (TSC complex subunit 2; plus strand). Cytogenetic location: 16p13.3.
Variant type: single nucleotide variant.
Coding change: c.4568A>C on transcript NM_000548.5 (MANE Select); coding-DNA position 4568, A replaced by C.
Protein change: p.Glu1523Ala; replaces glutamic acid 1523 with alanine.
Molecular consequence: missense variant.
Genome position (GRCh38, 1-based): chr16:2,085,025, A>C. VCF-style: chr16-2085025-A-C. GRCh37 (hg19) VCF-style: chr16-2135026-A-C.
Other names: c.4367A>C, p.Glu1456Ala (NM_001077183.3); c.4499A>C, p.Glu1500Ala (NM_001114382.3); c.4259A>C, p.Glu1420Ala (NM_001318827.2); c.4223A>C, p.Glu1408Ala (NM_001318829.2); c.3836A>C, p.Glu1279Ala (NM_001318831.2); c.4400A>C, p.Glu1467Ala (NM_001318832.2); c.4370A>C, p.Glu1457Ala (NM_001363528.2); c.4436A>C, p.Glu1479Ala (NM_001370404.1); and 1 more; short protein forms E1457A, E1467A, E1523A, E1479A, E1279A, E1408A, E1480A, E1500A.
Identifiers: ClinVar variation 962921 (VCV000962921.11), dbSNP rs777406873, ClinGen allele CA394303097.